The following is an entry in ClinVar:

ClinVar aggregate classification (germline): Uncertain significance (1 of 4 stars; one submission).

Allele frequency attached by ClinVar (database versions not stated): TOPMed 0.00002.
gnomAD v4.1: 14 of 1,613,874 alleles (0.00087%); highest among the groups gnomAD compares: South Asian, 0.0088%; no homozygotes.

Submission:

Labcorp Genetics (formerly Invitae), Labcorp
Classification: Uncertain significance. Last evaluated: 2024-11-11. Review status: criteria provided, single submitter. Criteria: Invitae Variant Classification Sherloc (09022015). Collection method: clinical testing. Allele origin: germline.
Comment: This sequence change falls in intron 9 of the ACY1 gene. It does not directly change the encoded amino acid sequence of the ACY1 protein. It affects a nucleotide within the consensus splice site. This variant is present in population databases (rs781228430, gnomAD 0.01%). This variant has not been reported in the literature in individuals affected with ACY1-related conditions. ClinVar contains an entry for this variant (Variation ID: 1901207). Variants that disrupt the consensus splice site are a relatively common cause of aberrant splicing (PMID: 17576681, 9536098). Algorithms developed to predict the effect of sequence changes on RNA splicing suggest that this variant is not likely to affect RNA splicing. In summary, the available evidence is currently insufficient to determine the role of this variant in disease. Therefore, it has been classified as a Variant of Uncertain Significance.

Literature cited by the submitters: PubMed 17576681; PubMed 9536098.

NM_000666.3(ACY1):c.657+4C>T

Genes: ABHD14A-ACY1 (ABHD14A-ACY1 readthrough; plus strand), ACY1 (aminoacylase 1; plus strand). Cytogenetic location: 3p21.2.
Variant type: single nucleotide variant.
Coding change: c.657+4C>T on transcript NM_000666.3 (MANE Select); 4 bases into the intron after coding-DNA position 657, C replaced by T.
Molecular consequence: intron variant.
Genome position (GRCh38, 1-based): chr3:51,987,065, C>T. VCF-style: chr3-51987065-C-T. GRCh37 (hg19) VCF-style: chr3-52021081-C-T.
Other names: c.927+4C>T (NM_001316331.2); c.657+4C>T (NM_001198897.2, NM_001198895.2); c.441+4C>T (NM_001198896.2); c.552+4C>T (NM_001198898.2).
Identifiers: ClinVar variation 1901207 (VCV001901207.5), dbSNP rs781228430, ClinGen allele CA2428583.